The following is an entry in ClinVar:

ClinVar aggregate classification (germline): Uncertain significance (1 of 4 stars; one submission).

Allele frequency attached by ClinVar (database versions not stated): TOPMed below 0.00001; gnomAD 0.00001.
gnomAD v4.1: 1 of 1,610,856 alleles (0.000062%); highest among the groups gnomAD compares: Non-Finnish European, 0.000085%; no homozygotes.

Submission:

GeneDx
Classification: Uncertain significance. Last evaluated: 2022-06-17. Review status: criteria provided, single submitter. Criteria: GeneDx Variant Classification Process June 2021. Collection method: clinical testing. Allele origin: germline. Affected: yes.
Comment: Not observed at significant frequency in large population cohorts (gnomAD); In silico analysis supports that this missense variant does not alter protein structure/function; Has not been previously published as pathogenic or benign to our knowledge

NM_001379291.1(BRD4):c.706A>G (p.Thr236Ala)

Gene: BRD4 (bromodomain containing 4; minus strand). Cytogenetic location: 19p13.12.
Variant type: single nucleotide variant.
Coding change: c.706A>G on transcript NM_001379291.1 (MANE Select); coding-DNA position 706, A replaced by G.
Protein change: p.Thr236Ala; replaces threonine 236 with alanine.
Molecular consequence: missense variant.
Genome position (GRCh38, 1-based): chr19:15,265,497, T>C on the plus strand (A>G on the coding strand, the complement: BRD4 is on the minus strand). VCF-style: chr19-15265497-T-C. GRCh37 (hg19) VCF-style: chr19-15376308-T-C.
Other names: c.706A>G, p.Thr236Ala (NM_001330384.2, NM_001379292.1, NM_014299.3 and 1 more transcripts); short protein forms T236A.
Identifiers: ClinVar variation 1804362 (VCV001804362.1), dbSNP rs2047523525, ClinGen allele CA404485111.
Genomic context (GRCh38, chr19:15,265,497, plus strand): 5'-GGGGGGGCACTGGCGGGGGCGTCTGCAGTGGCTGGGGAGGCACCACTGTCATGACAGGGG[T>C]CTGGACGATGAGGTCCGGGGTGACGGCAGGGAAGGGGTGAGGCGTGGCCTGCACAGGAGG-3'
Protein context (NP_001366220.1, residues 226-246): PAVTPDLIVQ[Thr236Ala]PVMTVVPPQP